The following is an entry in ClinVar:

NM_004787.4(SLIT2):c.3088+81G>A

Gene: SLIT2 (slit guidance ligand 2; plus strand). Cytogenetic location: 4p15.31.
Variant type: single nucleotide variant.
Coding change: c.3088+81G>A on transcript NM_004787.4 (MANE Select); 81 bases into the intron after coding-DNA position 3088, G replaced by A.
Molecular consequence: intron variant.
Genome position (GRCh38, 1-based): chr4:20,569,085, G>A. VCF-style: chr4-20569085-G-A. GRCh37 (hg19) VCF-style: chr4-20570708-G-A.
Other names: c.3076+81G>A (NM_001289135.3); c.3064+81G>A (NM_001289136.3).
Identifiers: ClinVar variation 2654694 (VCV002654694.24), dbSNP rs150205512, ClinGen allele CA2872034.

ClinVar aggregate classification (germline): Benign (1 of 4 stars; one submission).

Allele frequency attached by ClinVar (database versions not stated): TOPMed 0.00351; 1000 Genomes Project 30x 0.00359; gnomAD 0.00397; 1000 Genomes Project 0.00399; gnomAD exomes 0.00569; ExAC 0.00724.
gnomAD v4.1: 6,526 of 1,207,982 alleles (0.54%); highest among the groups gnomAD compares: South Asian, 1.3%; 47 homozygotes.

Submission:

CeGaT Center for Human Genetics Tuebingen
Classification: Benign. Last evaluated: 2022-12-01. Review status: criteria provided, single submitter. Criteria: CeGaT Center For Human Genetics Tuebingen Variant Classification Criteria Version 2. Collection method: clinical testing. Allele origin: germline. Affected: yes. Observed: 1 variant allele.
Comment: SLIT2: BS1, BS2